The following is an entry in ClinVar:

NM_000540.3(RYR1):c.4273A>G (p.Ile1425Val)

Gene: RYR1 (ryanodine receptor 1; plus strand). Cytogenetic location: 19q13.2.
Variant type: single nucleotide variant.
Coding change: c.4273A>G on transcript NM_000540.3 (MANE Select); coding-DNA position 4273, A replaced by G.
Protein change: p.Ile1425Val; replaces isoleucine 1425 with valine.
Molecular consequence: missense variant.
Genome position (GRCh38, 1-based): chr19:38,475,430, A>G. VCF-style: chr19-38475430-A-G. GRCh37 (hg19) VCF-style: chr19-38966070-A-G.
Other names: c.4273A>G (NM_000540.2); c.4273A>G, p.Ile1425Val (NM_001042723.2); short protein forms I1425V.
Identifiers: ClinVar variation 1053462 (VCV001053462.16), dbSNP rs762596904, ClinGen allele CA065822.

ClinVar aggregate classification (germline): Uncertain significance. Review status: criteria provided, multiple submitters, no conflicts (2 of 4 stars). 4 submissions from 4 submitters: Uncertain significance (4). Last evaluated 2026-07-06.

Conditions:
Inborn genetic diseases. Identifiers: MedGen C0950123, MeSH D030342.
Malignant hyperthermia, susceptibility to, 1 (MHS1). Also called: Anesthesia related hyperthermia; Malignant hyperpyrexia; Fulminating hyperpyrexia; Pharmacogenic myopathy; Malignant hyperthermia suceptibility 1; RYR1-Related Malignant Hyperthermia Susceptibility. Identifiers: Orphanet 423, MedGen C2930980, MONDO:0007783, OMIM 145600.
RYR1-related disorder. Also called: RYR1-related condition; RYR1-related disorders. Identifiers: MedGen CN239331.

Allele frequency attached by ClinVar (database versions not stated): TOPMed 0.00001; gnomAD exomes 0.00001; ExAC 0.00001.
gnomAD v4.1: 11 of 1,613,814 alleles (0.00068%); highest among the groups gnomAD compares: Non-Finnish European, 0.00093%; no homozygotes.

Submissions (4):

Ambry Genetics
Classification: Uncertain significance for Inborn genetic diseases. Last evaluated: 2026-07-06. Review status: criteria provided, single submitter. Criteria: Ambry Variant Classification Scheme 2023. Collection method: clinical testing. Allele origin: germline.
Comment: The p.I1425V variant (also known as c.4273A>G), located in coding exon 29 of the RYR1 gene, results from an A to G substitution at nucleotide position 4273. The isoleucine at codon 1425 is replaced by valine, an amino acid with highly similar properties. This amino acid position is conserved. In addition, the in silico prediction for this alteration is inconclusive. Based on the available evidence, the clinical significance of this variant remains unclear.

Labcorp Genetics (formerly Invitae), Labcorp
Classification: Uncertain significance for RYR1-related disorder. Last evaluated: 2025-12-23. Review status: criteria provided, single submitter. Criteria: Invitae Variant Classification Sherloc (09022015). Collection method: clinical testing. Allele origin: germline.
Comment: This sequence change replaces isoleucine, which is neutral and non-polar, with valine, which is neutral and non-polar, at codon 1425 of the RYR1 protein (p.Ile1425Val). This variant is present in population databases (rs762596904, gnomAD 0.002%). This variant has not been reported in the literature in individuals affected with RYR1-related conditions. ClinVar contains an entry for this variant (Variation ID: 1053462). Invitae Evidence Modeling of protein sequence and biophysical properties (such as structural, functional, and spatial information, amino acid conservation, physicochemical variation, residue mobility, and thermodynamic stability) indicates that this missense variant is not expected to disrupt RYR1 protein function with a negative predictive value of 80%. In summary, the available evidence is currently insufficient to determine the role of this variant in disease. Therefore, it has been classified as a Variant of Uncertain Significance.

All of Us Research Program, National Institutes of Health
Classification: Uncertain significance for Malignant hyperthermia, susceptibility to, 1. Last evaluated: 2024-06-09. Review status: criteria provided, single submitter. Criteria: ACMG Guidelines, 2015. Collection method: clinical testing. Allele origin: germline. Inheritance: Autosomal dominant inheritance. Observed: 5 variant alleles, 5 heterozygotes.
Comment: This missense variant replaces isoleucine with valine at codon 1425 of the RYR1 protein. Computational prediction suggests that this variant may not impact protein structure and function (internally defined REVEL score threshold <= 0.5, PMID: 27666373). To our knowledge, functional studies have not been reported for this variant. This variant has not been reported in individuals affected with RYR1-related disorders in the literature. This variant has been identified in 2/250920 chromosomes in the general population by the Genome Aggregation Database (gnomAD). The available evidence is insufficient to determine the role of this variant in disease conclusively. Therefore, this variant is classified as a Variant of Uncertain Significance.

This study involves interpretation of variants in research participants for the purpose of population health screening. Participant phenotype was not available at the time of variant classification. Additional details can be found in publication PMID: 35346344, PMCID: PMC8962531

Revvity Omics, Revvity
Classification: Uncertain significance. Last evaluated: 2020-07-06. Review status: criteria provided, single submitter. Criteria: ACMG Guidelines, 2015. Collection method: clinical testing. Allele origin: germline.